The following is an entry in ClinVar:

ClinVar aggregate classification (germline): Uncertain significance. Review status: criteria provided, multiple submitters, no conflicts (2 of 4 stars). 3 submissions from 3 submitters: Uncertain significance (3). Last evaluated 2025-06-29.

Conditions:
Familial cancer of breast. Also called: Hereditary breast cancer; hereditary breast carcinoma; BREAST CANCER, FAMILIAL. Identifiers: Orphanet 227535, MedGen C0346153, MONDO:0016419, OMIM 114480. Disease mechanism: loss of function.
Hereditary cancer-predisposing syndrome. Also called: Hereditary neoplastic syndrome; Neoplastic Syndromes, Hereditary; Tumor predisposition; Hereditary Cancer Syndrome. Identifiers: Orphanet 140162, MedGen C0027672, MeSH D009386, MONDO:0015356.

Allele frequency attached by ClinVar (database versions not stated): gnomAD exomes below 0.00001 and 0.00001; ExAC 0.00001.
gnomAD v4.1: 3 of 1,613,746 alleles (0.00019%); highest among the groups gnomAD compares: South Asian, 0.0011%; no homozygotes.

Submissions (3):

Labcorp Genetics (formerly Invitae), Labcorp
Classification: Uncertain significance for Familial cancer of breast. Last evaluated: 2025-06-29. Review status: criteria provided, single submitter. Criteria: Invitae Variant Classification Sherloc (09022015). Collection method: clinical testing. Allele origin: germline.
Comment: This sequence change replaces glutamic acid, which is acidic and polar, with glycine, which is neutral and non-polar, at codon 239 of the CHEK2 protein (p.Glu239Gly). This variant is present in population databases (rs763892124, gnomAD 0.003%). This variant has not been reported in the literature in individuals affected with CHEK2-related conditions. ClinVar contains an entry for this variant (Variation ID: 946612). An algorithm developed to predict the effect of missense changes on protein structure and function (PolyPhen-2) suggests that this variant is likely to be disruptive. In summary, the available evidence is currently insufficient to determine the role of this variant in disease. Therefore, it has been classified as a Variant of Uncertain Significance.

Ambry Genetics
Classification: Uncertain significance for Hereditary cancer-predisposing syndrome. Last evaluated: 2025-01-19. Review status: criteria provided, single submitter. Criteria: Ambry Variant Classification Scheme 2023. Collection method: clinical testing. Allele origin: germline.
Comment: The p.E239G variant (also known as c.716A>G), located in coding exon 5 of the CHEK2 gene, results from an A to G substitution at nucleotide position 716. The glutamic acid at codon 239 is replaced by glycine, an amino acid with similar properties. This amino acid position is highly conserved in available vertebrate species. In addition, this alteration is predicted to be deleterious by in silico analysis. Based on the available evidence, the clinical significance of this variant remains unclear.

Color Diagnostics, LLC DBA Color Health
Classification: Uncertain significance for Hereditary cancer-predisposing syndrome. Last evaluated: 2022-04-16. Review status: criteria provided, single submitter. Criteria: ACMG Guidelines, 2015. Collection method: clinical testing. Allele origin: germline.
Comment: This missense variant replaces glutamic acid with glycine at codon 239 of the CHEK2 protein. Computational prediction suggests that this variant may have deleterious impact on protein structure and function (internally defined REVEL score threshold >= 0.7, PMID: 27666373). To our knowledge, functional studies have not been reported for this variant. This variant has not been reported in individuals affected with hereditary cancer in the literature. This variant has been identified in 2/251380 chromosomes in the general population by the Genome Aggregation Database (gnomAD). The available evidence is insufficient to determine the role of this variant in disease conclusively. Therefore, this variant is classified as a Variant of Uncertain Significance.

NM_007194.4(CHEK2):c.716A>G (p.Glu239Gly)

Gene: CHEK2 (checkpoint kinase 2; minus strand). Cytogenetic location: 22q12.1.
Variant type: single nucleotide variant.
Coding change: c.716A>G on transcript NM_007194.4 (MANE Select); coding-DNA position 716, A replaced by G.
Protein change: p.Glu239Gly; replaces glutamic acid 239 with glycine.
Molecular consequence: missense variant.
Genome position (GRCh38, 1-based): chr22:28,711,985, T>C on the plus strand (A>G on the coding strand, the complement: CHEK2 is on the minus strand). VCF-style: chr22-28711985-T-C. GRCh37 (hg19) VCF-style: chr22-29107973-T-C.
Other names: c.845A>G, p.Glu282Gly (NM_001005735.3); c.53A>G, p.Glu18Gly (NM_001257387.3); c.515A>G, p.Glu172Gly (NM_001349956.3); c.716A>G, p.Glu239Gly (NM_145862.3); short protein forms E239G, E282G, E18G, E172G.
Identifiers: ClinVar variation 946612 (VCV000946612.12), dbSNP rs763892124, ClinGen allele CA10167894.